The following is an entry in ClinVar:

NM_024496.4(IRF2BPL):c.2220C>T (p.Phe740=)

Gene: IRF2BPL (interferon regulatory factor 2 binding protein like; minus strand). Cytogenetic location: 14q24.3.
Variant type: single nucleotide variant.
Coding change: c.2220C>T on transcript NM_024496.4 (MANE Select); coding-DNA position 2220, C replaced by T.
Protein change: p.Phe740=; no amino-acid change (phenylalanine 740 retained).
Molecular consequence: synonymous variant.
Genome position (GRCh38, 1-based): chr14:77,025,573, G>A on the plus strand (C>T on the coding strand, the complement: IRF2BPL is on the minus strand). VCF-style: chr14-77025573-G-A. GRCh37 (hg19) VCF-style: chr14-77491916-G-A.
Identifiers: ClinVar variation 2644379 (VCV002644379.24), dbSNP rs777588635, ClinGen allele CA7283512.

ClinVar aggregate classification (germline): Likely benign (1 of 4 stars; one submission).

Allele frequency attached by ClinVar (database versions not stated): gnomAD exomes below 0.00001; ExAC 0.00001; TOPMed 0.00001.
gnomAD v4.1: 4 of 1,608,862 alleles (0.00025%); highest among the groups gnomAD compares: South Asian, 0.0022%; no homozygotes.

Submission:

CeGaT Center for Human Genetics Tuebingen
Classification: Likely benign. Last evaluated: 2023-09-01. Review status: criteria provided, single submitter. Criteria: CeGaT Center For Human Genetics Tuebingen Variant Classification Criteria Version 2. Collection method: clinical testing. Allele origin: germline. Affected: yes. Observed: 1 variant allele.
Comment: IRF2BPL: BP4, BP7